The following is an entry in ClinVar:

NM_177972.3(TUB):c.274G>A (p.Ala92Thr)

Genes: RIC3 (RIC3 acetylcholine receptor chaperone; minus strand), TUB (TUB bipartite transcription factor; plus strand). Cytogenetic location: 11p15.4.
Variant type: single nucleotide variant.
Coding change: c.274G>A on transcript NM_177972.3 (MANE Select); coding-DNA position 274, G replaced by A.
Protein change: p.Ala92Thr; replaces alanine 92 with threonine.
Molecular consequence: missense variant. On other transcripts: non-coding transcript variant (1).
Genome position (GRCh38, 1-based): chr11:8,094,066, G>A. VCF-style: chr11-8094066-G-A. GRCh37 (hg19) VCF-style: chr11-8115613-G-A.
Other names: c.439G>A, p.Ala147Thr (NM_003320.5); short protein forms A92T, A147T.
Identifiers: ClinVar variation 939851 (VCV000939851.10), dbSNP rs776873882, ClinGen allele CA5871032.

ClinVar aggregate classification (germline): Uncertain significance. Review status: criteria provided, multiple submitters, no conflicts (2 of 4 stars). 4 submissions from 4 submitters: Uncertain significance (3). 1 of the submissions does not count toward it. Last evaluated 2024-06-30.

Conditions:
TUB-related disorder. Also called: TUB-related condition.

Allele frequency attached by ClinVar (database versions not stated): gnomAD exomes 0.00001 and 0.00004; ExAC 0.00002; gnomAD 0.00002; TOPMed 0.00004.
gnomAD v4.1: 19 of 1,614,026 alleles (0.0012%); highest among the groups gnomAD compares: Admixed American, 0.0083%; no homozygotes.

Submissions (4):

Ambry Genetics
Classification: Uncertain significance. Last evaluated: 2024-06-30. Review status: criteria provided, single submitter. Criteria: Ambry Variant Classification Scheme 2023. Collection method: clinical testing. Allele origin: germline.

Blueprint Genetics
Classification: Uncertain significance. Last evaluated: 2022-12-05. Review status: criteria provided, single submitter. Criteria: ACMG Guidelines, 2015. Collection method: clinical testing. Allele origin: germline.

Labcorp Genetics (formerly Invitae), Labcorp
Classification: Uncertain significance. Last evaluated: 2022-10-05. Review status: criteria provided, single submitter. Criteria: Invitae Variant Classification Sherloc (09022015). Collection method: clinical testing. Allele origin: germline.
Comment: This sequence change replaces alanine, which is neutral and non-polar, with threonine, which is neutral and polar, at codon 147 of the TUB protein (p.Ala147Thr). This variant is present in population databases (rs776873882, gnomAD 0.009%). This variant has not been reported in the literature in individuals affected with TUB-related conditions. ClinVar contains an entry for this variant (Variation ID: 939851). Algorithms developed to predict the effect of missense changes on protein structure and function output the following: SIFT: "Tolerated"; PolyPhen-2: "Benign"; Align-GVGD: "Class C0". The threonine amino acid residue is found in multiple mammalian species, which suggests that this missense change does not adversely affect protein function. In summary, the available evidence is currently insufficient to determine the role of this variant in disease. Therefore, it has been classified as a Variant of Uncertain Significance.

PreventionGenetics, part of Exact Sciences
Classification: Uncertain significance for TUB-related condition. Last evaluated: 2024-02-14. Review status: no assertion criteria provided. Collection method: clinical testing. Allele origin: germline. Not counted in ClinVar's aggregate classification.
Comment: The TUB c.439G>A variant is predicted to result in the amino acid substitution p.Ala147Thr. To our knowledge, this variant has not been reported in the literature. This variant is reported in 0.012% of alleles in individuals of Latino descent in gnomAD. Of note, in multiple species a threonine (Thr) is present at the Ala147 residue. At this time, the clinical significance of this variant is uncertain due to the absence of conclusive functional and genetic evidence.